The following is an entry in ClinVar:

ClinVar aggregate classification (germline): Likely benign (1 of 4 stars; one submission).

Conditions:
HNF1B-related disorder. Also called: HNF1B-related condition; HNF1B-related disorders.

gnomAD v4.1: 2 of 1,614,006 alleles (0.00012%); highest among the groups gnomAD compares: Non-Finnish European, 0.000085%; no homozygotes.

Submission:

PreventionGenetics, part of Exact Sciences
Classification: Likely benign for HNF1B-related condition. Last evaluated: 2026-06-25. Review status: criteria provided, single submitter. Criteria: ACMG Guidelines, 2015. Collection method: clinical testing. Allele origin: germline.
Comment: This variant is classified as likely benign based on ACMG/AMP sequence variant interpretation guidelines (Richards et al. 2015 PMID: 25741868, with internal and published modifications).

NM_000458.4(HNF1B):c.1233C>T (p.Pro411=)

Gene: HNF1B (HNF1 homeobox B; minus strand). Cytogenetic location: 17q12.
Variant type: single nucleotide variant.
Coding change: c.1233C>T on transcript NM_000458.4 (MANE Select); coding-DNA position 1233, C replaced by T.
Protein change: p.Pro411=; no amino-acid change (proline 411 retained).
Molecular consequence: synonymous variant.
Genome position (GRCh38, 1-based): chr17:37,705,023, G>A on the plus strand (C>T on the coding strand, the complement: HNF1B is on the minus strand). VCF-style: chr17-37705023-G-A. GRCh37 (hg19) VCF-style: chr17-36065030-G-A.
Other names: c.1155C>T, p.Pro385= (NM_001165923.4, NM_001304286.2); c.1233C>T, p.Pro411= (NM_001411100.1).
Identifiers: ClinVar variation 4988213 (VCV004988213.1).